The following is an entry in ClinVar:

ClinVar aggregate classification (germline): Benign. Review status: criteria provided, multiple submitters, no conflicts (2 of 4 stars). 4 submissions from 4 submitters: Benign (2). 2 of the submissions do not count toward it. Last evaluated 2021-10-11.

Conditions:
AUBERGER BLOOD GROUP POLYMORPHISM Au(a)/Au(b).
BCAM-related disorder. Also called: BCAM-related condition.
LuLu phenotype. Also called: RECESSIVE LU (a-b-) PHENOTYPE; Lutheran null. Identifiers: MedGen C1292230, OMIM 247420.
BLOOD GROUP--LUTHERAN SYSTEM (LU). Identifiers: MedGen C0024171, OMIM 111200.

Allele frequency attached by ClinVar (database versions not stated): 1000 Genomes Project 0.27037; gnomAD exomes 0.27259; ExAC 0.27533; 1000 Genomes Project 30x 0.27920; gnomAD 0.32059 and 0.32876; TOPMed 0.32326.

Submissions (4):

Fulgent Genetics
Classification: Benign for BLOOD GROUP--LUTHERAN SYSTEM; LuLu phenotype. Last evaluated: 2021-10-11. Review status: criteria provided, single submitter. Criteria: ACMG Guidelines, 2015. Collection method: clinical testing. Allele origin: unknown.

Breakthrough Genomics
Classification: Benign. Review status: criteria provided, single submitter. Criteria: ACMG Guidelines, 2015. Collection method: not provided. Allele origin: germline. Inheritance: Autosomal recessive inheritance. Affected: yes.

PreventionGenetics, part of Exact Sciences
Classification: Benign for BCAM-related condition. Last evaluated: 2019-10-17. Review status: no assertion criteria provided. Collection method: clinical testing. Allele origin: germline. Not counted in ClinVar's aggregate classification.
Comment: This variant is classified as benign based on ACMG/AMP sequence variant interpretation guidelines (Richards et al. 2015 PMID: 25741868, with internal and published modifications).

OMIM
Classification: Benign for AUBERGER BLOOD GROUP POLYMORPHISM Au(a)/Au(b). Last evaluated: 2007-03-01. Review status: no assertion criteria provided. Collection method: literature only. Allele origin: germline. Not counted in ClinVar's aggregate classification.

Literature cited by the submitters: PubMed 9166867 (cited by OMIM); PubMed 17319831 (cited by OMIM).

NM_005581.5(BCAM):c.1615A>G (p.Thr539Ala)

Gene: BCAM (basal cell adhesion molecule (Lutheran blood group); plus strand). Cytogenetic location: 19q13.32.
Variant type: single nucleotide variant.
Coding change: c.1615A>G on transcript NM_005581.5 (MANE Select); coding-DNA position 1615, A replaced by G.
Protein change: p.Thr539Ala; replaces threonine 539 with alanine.
Molecular consequence: missense variant.
Genome position (GRCh38, 1-based): chr19:44,819,487, A>G. VCF-style: chr19-44819487-A-G. GRCh37 (hg19) VCF-style: chr19-45322744-A-G.
Other names: c.1615A>G, p.Thr539Ala (NM_001013257.2); short protein forms T539A.
Identifiers: ClinVar variation 439 (VCV000000439.5), dbSNP rs1135062, ClinGen allele CA114286.